The following is an entry in ClinVar:

NM_002641.4(PIGA):c.1214C>T (p.Ala405Val)

Gene: PIGA (phosphatidylinositol glycan anchor biosynthesis class A; minus strand). Cytogenetic location: Xp22.2.
Variant type: single nucleotide variant.
Coding change: c.1214C>T on transcript NM_002641.4 (MANE Select); coding-DNA position 1214, C replaced by T.
Protein change: p.Ala405Val; replaces alanine 405 with valine.
Molecular consequence: missense variant. On other transcripts: non-coding transcript variant (2).
Genome position (GRCh38, 1-based): chrX:15,321,747, G>A on the plus strand (C>T on the coding strand, the complement: PIGA is on the minus strand). VCF-style: chrX-15321747-G-A. GRCh37 (hg19) VCF-style: chrX-15339869-G-A.
Other names: c.512C>T, p.Ala171Val (NM_020473.3); short protein forms A405V, A171V.
Identifiers: ClinVar variation 389491 (VCV000389491.15), dbSNP rs201361742, ClinGen allele CA10354066.

ClinVar aggregate classification (germline): Benign/Likely benign. Review status: criteria provided, multiple submitters, no conflicts (2 of 4 stars). 3 submissions from 3 submitters: Benign (2); Likely benign (1). Last evaluated 2025-12-28.

Conditions:
Multiple congenital anomalies-hypotonia-seizures syndrome 2 (MCAHS2). Also called: GLYCOSYLPHOSPHATIDYLINOSITOL BIOSYNTHESIS DEFECT 4; EPILEPTIC ENCEPHALOPATHY, EARLY INFANTILE, 20. Identifiers: Orphanet 300496, MedGen C3275508, MONDO:0010466, OMIM 300868.

Allele frequency attached by ClinVar (database versions not stated): gnomAD exomes 0.00007 and 0.00037; gnomAD 0.00010 and 0.00011; TOPMed 0.00015; 1000 Genomes Project 0.00026; ExAC 0.00031; 1000 Genomes Project 30x 0.00042.
gnomAD v4.1: 87 of 1,208,997 alleles (0.0072%); highest among the groups gnomAD compares: East Asian, 0.25%; no homozygotes.

Submissions (3):

Labcorp Genetics (formerly Invitae), Labcorp
Classification: Benign for Multiple congenital anomalies-hypotonia-seizures syndrome 2. Last evaluated: 2025-12-28. Review status: criteria provided, single submitter. Criteria: Invitae Variant Classification Sherloc (09022015). Collection method: clinical testing. Allele origin: germline.

Blueprint Genetics
Classification: Likely benign. Last evaluated: 2024-09-18. Review status: criteria provided, single submitter. Criteria: ACMG Guidelines, 2015. Collection method: clinical testing. Allele origin: germline.

GeneDx
Classification: Benign. Last evaluated: 2021-06-14. Review status: criteria provided, single submitter. Criteria: GeneDx Variant Classification Process June 2021. Collection method: clinical testing. Allele origin: germline. Affected: yes.
Comment: This variant is associated with the following publications: (PMID: 31037862)